The following is an entry in ClinVar:

GRCh38/hg38 2p22.2(chr2:37943395-38132653)x1

Genes: CYP1B1 (cytochrome P450 family 1 subfamily B member 1; minus strand), CYP1B1-AS1 (CYP1B1 antisense RNA 1; plus strand), RMDN2 (regulator of microtubule dynamics 2; plus strand), RMDN2-AS1 (RMDN2 antisense RNA 1; minus strand), LOC110599580 (CYP1B1 promoter; plus strand) and 2 more. Cytogenetic location: 2p22.2.
Variant type: copy number loss.
Change: copy number 1 (one copy instead of two) of chr2:37,943,395-38,132,653 (189.3 kb, GRCh38 coordinates, 1-based), cytogenetic band 2p22.2.
Identifiers: ClinVar variation 4796045 (VCV004796045.1).

ClinVar aggregate classification (germline): Uncertain significance (1 of 4 stars; one submission).

Submission:

Medical Genetic Center, Changzhi Maternal and Child Health Care Hospital
Classification: Uncertain significance. Last evaluated: 2025-12-10. Review status: criteria provided, single submitter. Criteria: ACMG/ClinGen CNV Guidelines, 2019. Collection method: clinical testing. Allele origin: unknown.